The following is an entry in ClinVar:

ClinVar aggregate classification (germline): Uncertain significance. Review status: criteria provided, multiple submitters, no conflicts (2 of 4 stars). 5 submissions from 5 submitters: Uncertain significance (5). Last evaluated 2025-06-30.

Conditions:
Hereditary cancer-predisposing syndrome. Also called: Hereditary neoplastic syndrome; Neoplastic Syndromes, Hereditary; Hereditary Cancer Syndrome; Tumor predisposition. Identifiers: Orphanet 140162, MedGen C0027672, MeSH D009386, MONDO:0015356.
Breast-ovarian cancer, familial, susceptibility to, 4. Identifiers: Orphanet 145, MedGen C3280345, MONDO:0013669, OMIM 614291.

Allele frequency attached by ClinVar (database versions not stated): TOPMed 0.00001.
gnomAD v4.1: 13 of 1,613,754 alleles (0.00081%); highest among the groups gnomAD compares: African/African-American, 0.0027%; no homozygotes.

Submissions (5):

Women's Health and Genetics/Laboratory Corporation of America, LabCorp
Classification: Uncertain significance. Last evaluated: 2025-06-30. Review status: criteria provided, single submitter. Criteria: LabCorp Variant Classification Summary - May 2015. Collection method: clinical testing. Allele origin: germline.
Comment: Variant summary: RAD51D c.932T>C (p.Ile311Thr) results in a non-conservative amino acid change in the encoded protein sequence. Algorithms developed to predict the effect of missense changes on protein structure and function are either unavailable or do not agree on the potential impact of this missense change. The variant allele was found at a frequency of 8e-06 in 251488 control chromosomes. The available data on variant occurrences in the general population are insufficient to allow any conclusion about variant significance. c.932T>C has been observed in at least one individual affected with breast cancer without strong evidence for causality (e.g. Tung_2015). These report(s) do not provide unequivocal conclusions about association of the variant with Hereditary Breast And Ovarian Cancer Syndrome. To our knowledge, no experimental evidence demonstrating an impact on protein function has been reported. The following publication has been ascertained in the context of this evaluation (PMID: 25186627). ClinVar contains an entry for this variant (Variation ID: 127897). Based on the evidence outlined above, the variant was classified as uncertain significance.

Ambry Genetics
Classification: Uncertain significance for Hereditary cancer-predisposing syndrome. Last evaluated: 2025-01-16. Review status: criteria provided, single submitter. Criteria: Ambry Variant Classification Scheme 2023. Collection method: clinical testing. Allele origin: germline.
Comment: The p.I311T variant (also known as c.932T>C), located in coding exon 10 of the RAD51D gene, results from a T to C substitution at nucleotide position 932. The isoleucine at codon 311 is replaced by threonine, an amino acid with similar properties. This variant was observed in an individual with early onset-breast cancer amongst a cohort of 1781 non-Ashkenazi Jewish individuals undergoing BRCA1/2 gene testing based on a personal history of breast cancer (Tung N et al. Cancer, 2015 Jan;121:25-33). This amino acid position is well conserved in available vertebrate species. In addition, the in silico prediction for this alteration is inconclusive. Since supporting evidence is limited at this time, the clinical significance of this alteration remains unclear.

Labcorp Genetics (formerly Invitae), Labcorp
Classification: Uncertain significance for Breast-ovarian cancer, familial, susceptibility to, 4. Last evaluated: 2024-12-26. Review status: criteria provided, single submitter. Criteria: Invitae Variant Classification Sherloc (09022015). Collection method: clinical testing. Allele origin: germline.
Comment: This sequence change replaces isoleucine, which is neutral and non-polar, with threonine, which is neutral and polar, at codon 311 of the RAD51D protein (p.Ile311Thr). This variant is present in population databases (rs145309168, gnomAD 0.007%). This variant has not been reported in the literature in individuals affected with RAD51D-related conditions. ClinVar contains an entry for this variant (Variation ID: 127897). Invitae Evidence Modeling of protein sequence and biophysical properties (such as structural, functional, and spatial information, amino acid conservation, physicochemical variation, residue mobility, and thermodynamic stability) indicates that this missense variant is not expected to disrupt RAD51D protein function with a negative predictive value of 80%. In summary, the available evidence is currently insufficient to determine the role of this variant in disease. Therefore, it has been classified as a Variant of Uncertain Significance.

GeneDx
Classification: Uncertain significance. Last evaluated: 2020-03-17. Review status: criteria provided, single submitter. Criteria: GeneDx Variant Classification Process June 2021. Collection method: clinical testing. Allele origin: germline. Affected: yes.
Comment: In silico analysis supports that this missense variant does not alter protein structure/function; Has not been previously published as pathogenic or benign to our knowledge

Color Diagnostics, LLC DBA Color Health
Classification: Uncertain significance for Hereditary cancer-predisposing syndrome. Last evaluated: 2019-12-16. Review status: criteria provided, single submitter. Criteria: ACMG Guidelines, 2015. Collection method: clinical testing. Allele origin: germline.
Comment: This missense variant replaces isoleucine with threonine at codon 311 of the RAD51D protein. Computational prediction suggests that this variant may not impact protein structure and function (internally defined REVEL score threshold <= 0.5, PMID: 27666373). Splice site prediction tools suggest that this variant may not impact RNA splicing. To our knowledge, functional studies have not been performed for this variant. This variant has not been reported in individuals affected with hereditary cancer in the literature. This variant has been identified in 2/251488 chromosomes in the general population by the Genome Aggregation Database (gnomAD). The available evidence is insufficient to determine the role of this variant in disease conclusively. Therefore, this variant is classified as a Variant of Uncertain Significance.

Literature cited by the submitters: PubMed 25186627 (cited by Women's Health and Genetics/Laboratory Corporation of America, LabCorp and Ambry Genetics).

NM_002878.4(RAD51D):c.932T>C (p.Ile311Thr)

Genes: RAD51L3-RFFL (RAD51L3-RFFL readthrough; minus strand), RAD51D (RAD51 paralog D; minus strand). Cytogenetic location: 17q12.
Variant type: single nucleotide variant.
Coding change: c.932T>C on transcript NM_002878.4 (MANE Select); coding-DNA position 932, T replaced by C.
Protein change: p.Ile311Thr; replaces isoleucine 311 with threonine.
Molecular consequence: missense variant. On other transcripts: non-coding transcript variant (2).
Genome position (GRCh38, 1-based): chr17:35,101,008, A>G on the plus strand (T>C on the coding strand, the complement: RAD51D is on the minus strand). VCF-style: chr17-35101008-A-G. GRCh37 (hg19) VCF-style: chr17-33428027-A-G.
Other names: p.I311T:ATT>ACT; c.992T>C, p.Ile331Thr (NM_001142571.2); c.596T>C, p.Ile199Thr (NM_133629.3); short protein forms I311T, I199T, I331T.
Identifiers: ClinVar variation 127897 (VCV000127897.20), dbSNP rs145309168, ClinGen allele CA287996.